The following is an entry in ClinVar:

ClinVar aggregate classification (germline): Pathogenic (1 of 4 stars; one submission).

Conditions:
Kabuki syndrome. Also called: Kabuki make-up syndrome; NIIKAWA-KUROKI SYNDROME. Identifiers: Orphanet 2322, MedGen C0796004, MONDO:0016512.

Submission:

Labcorp Genetics (formerly Invitae), Labcorp
Classification: Pathogenic for Kabuki syndrome. Last evaluated: 2019-10-16. Review status: criteria provided, single submitter. Criteria: Invitae Variant Classification Sherloc (09022015). Collection method: clinical testing. Allele origin: germline.
Comment: This variant is not present in population databases (ExAC no frequency). For these reasons, this variant has been classified as Pathogenic. Loss-of-function variants in KMT2D are known to be pathogenic (PMID: 22126750). This variant has been observed in individual(s) with Kabuki syndrome (PMID: 24633898). In at least one individual the variant was observed to be de novo. This sequence change creates a premature translational stop signal (p.Thr4629Hisfs*18) in the KMT2D gene. It is expected to result in an absent or disrupted protein product.

Literature cited by the submitters: PubMed 22126750; PubMed 24633898.

NM_003482.4(KMT2D):c.13884dup (p.Thr4629fs)

Gene: KMT2D (lysine methyltransferase 2D; minus strand). Cytogenetic location: 12q13.12.
Variant type: Duplication.
Coding change: c.13884dup on transcript NM_003482.4 (MANE Select); coding-DNA position 13884, one base duplicated (C; older notation c.13884dupC).
Protein change: p.Thr4629fs; shifts the reading frame from threonine 4629.
Molecular consequence: frameshift variant.
Genome position (GRCh38, 1-based): chr12:49,030,395, G duplicated on the plus strand (C on the coding strand, the reverse complement: KMT2D is on the minus strand); the first of 6 consecutive G bases (chr12:49,030,395-49,030,400); duplicating any one gives the same sequence. VCF-style (leftmost placement, unchanged base first): chr12-49030394-T-TG. GRCh37 (hg19) VCF-style: chr12-49424177-T-TG.
Other names: short protein forms T4629fs.
Identifiers: ClinVar variation 943636 (VCV000943636.9), dbSNP rs886040960, ClinGen allele CA645594488.
Genomic context (GRCh38, chr12:49,030,394, plus strand): 5'-CCAGCTCTTCAGATGGGGTGACGCCATTCACCATCTTCTGCTGCACCGATGGGGGTGGGG[T>TG]GGGGGGCAGCGACGAGGGTGGTGTCGGCGGGTTACTCAGGTTATTCTGAGGGGTGGGGGG-3'